The following is an entry in ClinVar:

NM_006206.6(PDGFRA):c.2989G>A (p.Glu997Lys)

Gene: PDGFRA (platelet derived growth factor receptor alpha; plus strand). Cytogenetic location: 4q12.
Variant type: single nucleotide variant.
Coding change: c.2989G>A on transcript NM_006206.6 (MANE Select); coding-DNA position 2989, G replaced by A.
Protein change: p.Glu997Lys; replaces glutamic acid 997 with lysine.
Molecular consequence: missense variant.
Genome position (GRCh38, 1-based): chr4:54,290,421, G>A. VCF-style: chr4-54290421-G-A. GRCh37 (hg19) VCF-style: chr4-55156588-G-A.
Other names: c.3064G>A, p.Glu1022Lys (NM_001347828.2); c.2989G>A, p.Glu997Lys (NM_001347829.2); c.3028G>A, p.Glu1010Lys (NM_001347830.2); short protein forms E997K, E1022K, E1010K.
Identifiers: ClinVar variation 240338 (VCV000240338.13), dbSNP rs758534651, ClinGen allele CA2923009.
Genomic context (GRCh38, chr4:54,290,421, plus strand): 5'-GTGGCACGCATGCGTGTGGACTCAGACAATGCATACATTGGTGTCACCTACAAAAACGAG[G>A]AAGACAAGCTGAAGGACTGGGAGGGTGGTCTGGATGAGCAGAGACTGAGCGCTGACAGTG-3'
Protein context (NP_006197.1, residues 987-1007): AYIGVTYKNE[Glu997Lys]DKLKDWEGGL

ClinVar aggregate classification (germline): Uncertain significance. Review status: criteria provided, multiple submitters, no conflicts (2 of 4 stars). 4 submissions from 4 submitters: Uncertain significance (4). Last evaluated 2025-12-17.

Conditions:
Polyps, multiple and recurrent inflammatory fibroid, gastrointestinal. Identifiers: MedGen C5193005, MONDO:0008285, OMIM 175510.
Idiopathic hypereosinophilic syndrome (HES). Identifiers: Orphanet 3260, MedGen C0206141, MONDO:0011895, OMIM 607685. Disease mechanism: gain of function.
Hereditary cancer-predisposing syndrome. Also called: Neoplastic Syndromes, Hereditary; Hereditary neoplastic syndrome; Hereditary Cancer Syndrome; Tumor predisposition. Identifiers: Orphanet 140162, MedGen C0027672, MeSH D009386, MONDO:0015356.
Gastrointestinal stromal tumor. Also called: Gastrointestinal stromal tumor, somatic; Gastrointestinal stroma tumor. Identifiers: Orphanet 44890, MedGen C0238198, MeSH D046152, MONDO:0011719, OMIM 606764, HP:0100723.

Allele frequency attached by ClinVar (database versions not stated): gnomAD exomes below 0.00001 and 0.00001; ExAC 0.00001; TOPMed 0.00001.
gnomAD v4.1: 1 of 1,614,164 alleles (0.000062%); highest among the groups gnomAD compares: Non-Finnish European, 0.000085%; no homozygotes.

Submissions (4):

Labcorp Genetics (formerly Invitae), Labcorp
Classification: Uncertain significance for Gastrointestinal stromal tumor. Last evaluated: 2025-12-17. Review status: criteria provided, single submitter. Criteria: Invitae Variant Classification Sherloc (09022015). Collection method: clinical testing. Allele origin: germline.
Comment: This sequence change replaces glutamic acid, which is acidic and polar, with lysine, which is basic and polar, at codon 997 of the PDGFRA protein (p.Glu997Lys). This variant is present in population databases (rs758534651, gnomAD 0.006%). This variant has not been reported in the literature in individuals affected with PDGFRA-related conditions. ClinVar contains an entry for this variant (Variation ID: 240338). An algorithm developed to predict the effect of missense changes on protein structure and function (PolyPhen-2) suggests that this variant is likely to be tolerated. In summary, the available evidence is currently insufficient to determine the role of this variant in disease. Therefore, it has been classified as a Variant of Uncertain Significance.

Ambry Genetics
Classification: Uncertain significance for Hereditary cancer-predisposing syndrome. Last evaluated: 2025-02-05. Review status: criteria provided, single submitter. Criteria: Ambry Variant Classification Scheme 2023. Collection method: clinical testing. Allele origin: germline.
Comment: The p.E997K variant (also known as c.2989G>A), located in coding exon 21 of the PDGFRA gene, results from a G to A substitution at nucleotide position 2989. The glutamic acid at codon 997 is replaced by lysine, an amino acid with similar properties. This amino acid position is highly conserved in available vertebrate species. In addition, this alteration is predicted to be tolerated by in silico analysis. Based on the available evidence, the clinical significance of this variant remains unclear.

Fulgent Genetics
Classification: Uncertain significance for Polyps, multiple and recurrent inflammatory fibroid, gastrointestinal; Idiopathic hypereosinophilic syndrome. Last evaluated: 2024-01-24. Review status: criteria provided, single submitter. Criteria: ACMG Guidelines, 2015. Collection method: clinical testing. Allele origin: germline.

Baylor Genetics
Classification: Uncertain significance for Polyps, multiple and recurrent inflammatory fibroid, gastrointestinal. Last evaluated: 2023-12-26. Review status: criteria provided, single submitter. Criteria: ACMG Guidelines, 2015. Collection method: clinical testing. Allele origin: unknown.